The following is an entry in ClinVar:

NM_000426.4(LAMA2):c.6875A>T (p.Asp2292Val)

Gene: LAMA2 (laminin subunit alpha 2; plus strand). Cytogenetic location: 6q22.33.
Variant type: single nucleotide variant.
Coding change: c.6875A>T on transcript NM_000426.4 (MANE Select); coding-DNA position 6875, A replaced by T.
Protein change: p.Asp2292Val; replaces aspartic acid 2292 with valine.
Molecular consequence: missense variant.
Genome position (GRCh38, 1-based): chr6:129,460,207, A>T. VCF-style: chr6-129460207-A-T. GRCh37 (hg19) VCF-style: chr6-129781352-A-T.
Other names: c.6875A>T, p.Asp2292Val (NM_001079823.2); short protein forms D2292V.
Identifiers: ClinVar variation 543870 (VCV000543870.9), dbSNP rs749043823, ClinGen allele CA3994388.

ClinVar aggregate classification (germline): Uncertain significance. Review status: criteria provided, multiple submitters, no conflicts (2 of 4 stars). 3 submissions from 3 submitters: Uncertain significance (3). Last evaluated 2026-10-08.

Conditions:
LAMA2-related muscular dystrophy (LAMA2-RD). Also called: Laminin alpha 2-related dystrophy. Identifiers: MedGen C5679788, MONDO:0100228.

Allele frequency attached by ClinVar (database versions not stated): gnomAD 0.00004; TOPMed 0.00007; gnomAD exomes 0.00003; ExAC 0.00003.
gnomAD v4.1: 47 of 1,612,008 alleles (0.0029%); highest among the groups gnomAD compares: Non-Finnish European, 0.0037%; no homozygotes.

Submissions (3):

GeneDx
Classification: Uncertain significance. Last evaluated: 2026-10-08. Review status: criteria provided, single submitter. Criteria: GeneDx Variant Classification Process June 2021. Collection method: clinical testing. Allele origin: germline.
Comment: Not observed at significant frequency in large population cohorts (gnomAD); In silico analysis supports that this missense variant has a deleterious effect on protein structure/function; Has not been previously published as pathogenic or benign to our knowledge

Labcorp Genetics (formerly Invitae), Labcorp
Classification: Uncertain significance for LAMA2-related muscular dystrophy. Last evaluated: 2022-03-09. Review status: criteria provided, single submitter. Criteria: Invitae Variant Classification Sherloc (09022015). Collection method: clinical testing. Allele origin: germline.
Comment: This sequence change replaces aspartic acid, which is acidic and polar, with valine, which is neutral and non-polar, at codon 2292 of the LAMA2 protein (p.Asp2292Val). This variant is present in population databases (rs749043823, gnomAD 0.008%). This variant has not been reported in the literature in individuals affected with LAMA2-related conditions. ClinVar contains an entry for this variant (Variation ID: 543870). Algorithms developed to predict the effect of missense changes on protein structure and function are either unavailable or do not agree on the potential impact of this missense change (SIFT: "Tolerated"; PolyPhen-2: "Probably Damaging"; Align-GVGD: "Class C0"). In summary, the available evidence is currently insufficient to determine the role of this variant in disease. Therefore, it has been classified as a Variant of Uncertain Significance.

Revvity Omics, Revvity
Classification: Uncertain significance. Last evaluated: 2020-03-16. Review status: criteria provided, single submitter. Criteria: ACMG Guidelines, 2015. Collection method: clinical testing. Allele origin: germline.